The following is an entry in ClinVar:

ClinVar aggregate classification (germline): Benign/Likely benign. Review status: criteria provided, multiple submitters, no conflicts (2 of 4 stars). 3 submissions from 3 submitters: Benign (2); Likely benign (1). Last evaluated 2026-01-26.

Conditions:
TRAIP-related disorder. Also called: TRAIP-related condition.

Allele frequency attached by ClinVar (database versions not stated): gnomAD exomes 0.00012 and 0.00048; ESP Exome Variant Server 0.00015; gnomAD 0.00017 and 0.00023; TOPMed 0.00030; ExAC 0.00040; 1000 Genomes Project 0.00140; 1000 Genomes Project 30x 0.00141.
gnomAD v4.1: 261 of 1,614,246 alleles (0.016%); highest among the groups gnomAD compares: East Asian, 0.42%; 4 homozygotes.

Submissions (3):

Labcorp Genetics (formerly Invitae), Labcorp
Classification: Benign. Last evaluated: 2026-01-26. Review status: criteria provided, single submitter. Criteria: Invitae Variant Classification Sherloc (09022015). Collection method: clinical testing. Allele origin: germline.

PreventionGenetics, part of Exact Sciences
Classification: Likely benign for TRAIP-related condition. Last evaluated: 2025-10-05. Review status: criteria provided, single submitter. Criteria: ACMG Guidelines, 2015. Collection method: clinical testing. Allele origin: germline.
Comment: This variant is classified as likely benign based on ACMG/AMP sequence variant interpretation guidelines (Richards et al. 2015 PMID: 25741868, with internal and published modifications).

Breakthrough Genomics
Classification: Benign. Review status: criteria provided, single submitter. Criteria: ACMG Guidelines, 2015. Collection method: not provided. Allele origin: germline. Inheritance: Autosomal recessive inheritance. Affected: yes.

NM_005879.3(TRAIP):c.1288-9C>T

Gene: TRAIP (TRAF interacting protein; minus strand). Cytogenetic location: 3p21.31.
Variant type: single nucleotide variant.
Coding change: c.1288-9C>T on transcript NM_005879.3 (MANE Select); 9 bases into the intron before coding-DNA position 1288, C replaced by T.
Molecular consequence: intron variant.
Genome position (GRCh38, 1-based): chr3:49,829,234, G>A on the plus strand (C>T on the coding strand, the complement: TRAIP is on the minus strand). VCF-style: chr3-49829234-G-A. GRCh37 (hg19) VCF-style: chr3-49866667-G-A.
Identifiers: ClinVar variation 728911 (VCV000728911.11), dbSNP rs377703753, ClinGen allele CA2407521.
Genomic context (GRCh38, chr3:49,829,234, plus strand): 5'-TAACCTTGGTCTTGGGCTTAACAGGCAATGGGCGGATCATGACTGTGTCAGTCTGGAGGA[G>A]CTGTCAAGGAAGAGGCATGGAGAAAGGACTGCAATGCAGGGCGAGAAAGGACTGCAATGC-3'